The following is an entry in ClinVar:

ClinVar aggregate classification (germline): Uncertain significance (1 of 4 stars; one submission).

Conditions:
MOGS-congenital disorder of glycosylation. Also called: CDG IIb; GLUCOSIDASE I DEFICIENCY; MOGS-CDG; CDG 2B. Identifiers: Orphanet 79330, MedGen C1853736, MONDO:0011629, OMIM 606056.

Allele frequency attached by ClinVar (database versions not stated): TOPMed 0.00001; ExAC 0.00003.
gnomAD v4.1: 8 of 1,611,850 alleles (0.0005%); highest among the groups gnomAD compares: South Asian, 0.0011%; no homozygotes.

Submission:

Labcorp Genetics (formerly Invitae), Labcorp
Classification: Uncertain significance for MOGS-congenital disorder of glycosylation. Last evaluated: 2022-03-27. Review status: criteria provided, single submitter. Criteria: Invitae Variant Classification Sherloc (09022015). Collection method: clinical testing. Allele origin: germline.
Comment: This sequence change replaces arginine, which is basic and polar, with glutamine, which is neutral and polar, at codon 446 of the MOGS protein (p.Arg446Gln). This variant is present in population databases (rs770676163, gnomAD 0.007%). This variant has not been reported in the literature in individuals affected with MOGS-related conditions. Algorithms developed to predict the effect of missense changes on protein structure and function (SIFT, PolyPhen-2, Align-GVGD) all suggest that this variant is likely to be disruptive. In summary, the available evidence is currently insufficient to determine the role of this variant in disease. Therefore, it has been classified as a Variant of Uncertain Significance.

NM_006302.3(MOGS):c.1337G>A (p.Arg446Gln)

Gene: MOGS (mannosyl-oligosaccharide glucosidase; minus strand). Cytogenetic location: 2p13.1.
Variant type: single nucleotide variant.
Coding change: c.1337G>A on transcript NM_006302.3 (MANE Select); coding-DNA position 1337, G replaced by A.
Protein change: p.Arg446Gln; replaces arginine 446 with glutamine.
Molecular consequence: missense variant.
Genome position (GRCh38, 1-based): chr2:74,462,452, C>T on the plus strand (G>A on the coding strand, the complement: MOGS is on the minus strand). VCF-style: chr2-74462452-C-T. GRCh37 (hg19) VCF-style: chr2-74689579-C-T.
Other names: c.1019G>A, p.Arg340Gln (NM_001146158.2); short protein forms R446Q, R340Q.
Identifiers: ClinVar variation 1970037 (VCV001970037.2), dbSNP rs770676163, ClinGen allele CA1724800.